The following is an entry in ClinVar:

ClinVar aggregate classification (germline): Likely benign (1 of 4 stars; one submission).

Allele frequency attached by ClinVar (database versions not stated): 1000 Genomes Project 0.00140; 1000 Genomes Project 30x 0.00172; TOPMed 0.00348; gnomAD 0.00350; ExAC 0.00423; ESP Exome Variant Server 0.00449; gnomAD exomes 0.00515.
gnomAD v4.1: 7,988 of 1,614,020 alleles (0.49%); highest among the groups gnomAD compares: Non-Finnish European, 0.61%; 28 homozygotes.

Submission:

CeGaT Center for Human Genetics Tuebingen
Classification: Likely benign. Last evaluated: 2023-03-01. Review status: criteria provided, single submitter. Criteria: CeGaT Center For Human Genetics Tuebingen Variant Classification Criteria Version 2. Collection method: clinical testing. Allele origin: germline. Affected: yes. Observed: 1 variant allele.
Comment: CCDC15: BP4, BP7, BS2

NM_025004.3(CCDC15):c.1635T>C (p.His545=)

Gene: CCDC15 (coiled-coil domain containing 15; plus strand). Cytogenetic location: 11q24.2.
Variant type: single nucleotide variant.
Coding change: c.1635T>C on transcript NM_025004.3 (MANE Select); coding-DNA position 1635, T replaced by C.
Protein change: p.His545=; no amino-acid change (histidine 545 retained).
Molecular consequence: synonymous variant.
Genome position (GRCh38, 1-based): chr11:124,987,861, T>C. VCF-style: chr11-124987861-T-C. GRCh37 (hg19) VCF-style: chr11-124857757-T-C.
Identifiers: ClinVar variation 2642510 (VCV002642510.24), dbSNP rs61912661, ClinGen allele CA6346220.
Genomic context (GRCh38, chr11:124,987,861, plus strand): 5'-TAAATATCAAGGCCAGGATTTTCTACCTAAAGACCAGGACTTTTTATCTAGAGACCAGCA[T>C]GTTCTCCCCAAAGACTGGAATATTCTACCCAAATGTCAGGACCAGGATTTTCTACCCAGA-3'
Protein context (NP_079280.2, residues 535-555): KDQDFLSRDQ[His545=]VLPKDWNILP